The following is an entry in ClinVar:

NM_000059.4(BRCA2):c.3613_3615del (p.Ser1205del)

Gene: BRCA2 (BRCA2 DNA repair associated; plus strand). Cytogenetic location: 13q13.1.
Variant type: Deletion.
Coding change: c.3613_3615del on transcript NM_000059.4 (MANE Select); coding-DNA positions 3613 to 3615, 3 bases deleted (TCT; older notation c.3613_3615delTCT).
Protein change: p.Ser1205del; deletes serine 1205.
Molecular consequence: inframe deletion.
Genome position (GRCh38, 1-based): chr13:32,337,968-32,337,970, TCT deleted; deleting any 3 consecutive bases within chr13:32,337,966-32,337,970 gives the same sequence; the c. name uses the placement nearest the transcript's 3' end. VCF-style (leftmost placement, unchanged base first): chr13-32337965-GCTT-G. GRCh37 (hg19) VCF-style: chr13-32912102-GCTT-G.
Other names: c.3613_3615delTCT (NM_000059.3); short protein forms S1205del.
Identifiers: ClinVar variation 655823 (VCV000655823.16), dbSNP rs1593899992, ClinGen allele CA913188529.

ClinVar aggregate classification (germline): Uncertain significance. Review status: criteria provided, multiple submitters, no conflicts (2 of 4 stars). 4 submissions from 4 submitters: Uncertain significance (4). Last evaluated 2025-02-25.

Conditions:
Familial cancer of breast. Also called: Hereditary breast cancer; hereditary breast carcinoma; BREAST CANCER, FAMILIAL. Identifiers: Orphanet 227535, MedGen C0346153, MONDO:0016419, OMIM 114480. Disease mechanism: loss of function.
Hereditary cancer-predisposing syndrome. Also called: Hereditary neoplastic syndrome; Tumor predisposition; Neoplastic Syndromes, Hereditary; Hereditary Cancer Syndrome. Identifiers: Orphanet 140162, MedGen C0027672, MeSH D009386, MONDO:0015356.
Hereditary breast ovarian cancer syndrome. Also called: Hereditary breast and ovarian cancer; Hereditary breast and/or ovarian cancer syndrome; Breast and ovarian cancer; BRCA1- and BRCA2-Associated Hereditary Breast and Ovarian Cancer; Hereditary breast and ovarian cancer syndrome; Hereditary breast and ovarian cancer syndrome (HBOC). Identifiers: Orphanet 145, MedGen C0677776, MeSH D061325, MONDO:0003582. Disease mechanism: loss of function.

Submissions (4):

Ambry Genetics
Classification: Uncertain significance for Hereditary cancer-predisposing syndrome. Last evaluated: 2025-02-25. Review status: criteria provided, single submitter. Criteria: Ambry Variant Classification Scheme 2023. Collection method: clinical testing. Allele origin: germline.
Comment: The c.3613_3615delTCT variant (also known as p.S1205del) is located in coding exon 10 of the BRCA2 gene. This variant results from an in-frame TCT deletion at nucleotide positions 3613 to 3615. This results in the in-frame deletion of a serine at codon 1205. This amino acid position is not well conserved in available vertebrate species. In addition, this alteration is predicted to be deleterious by in silico analysis (Choi Y et al. PLoS ONE. 2012; 7(10):e46688). Based on the available evidence, the clinical significance of this variant remains unclear.

Baylor Genetics
Classification: Uncertain significance for Familial cancer of breast. Last evaluated: 2024-02-21. Review status: criteria provided, single submitter. Criteria: ACMG Guidelines, 2015. Collection method: clinical testing. Allele origin: unknown.

Labcorp Genetics (formerly Invitae), Labcorp
Classification: Uncertain significance for Hereditary breast ovarian cancer syndrome. Last evaluated: 2023-02-27. Review status: criteria provided, single submitter. Criteria: Invitae Variant Classification Sherloc (09022015). Collection method: clinical testing. Allele origin: germline.
Comment: In summary, the available evidence is currently insufficient to determine the role of this variant in disease. Therefore, it has been classified as a Variant of Uncertain Significance. Experimental studies and prediction algorithms are not available or were not evaluated, and the functional significance of this variant is currently unknown. ClinVar contains an entry for this variant (Variation ID: 655823). This variant, c.3613_3615del, results in the deletion of 1 amino acid(s) of the BRCA2 protein (p.Ser1205del), but otherwise preserves the integrity of the reading frame. This variant is not present in population databases (gnomAD no frequency). This variant has not been reported in the literature in individuals affected with BRCA2-related conditions.

Color Diagnostics, LLC DBA Color Health
Classification: Uncertain significance for Hereditary cancer-predisposing syndrome. Last evaluated: 2021-03-17. Review status: criteria provided, single submitter. Criteria: ACMG Guidelines, 2015. Collection method: clinical testing. Allele origin: germline.
Comment: This variant is located in the BRCA2 protein. To our knowledge, functional studies have not been reported for this variant. This variant has not been reported in individuals affected with hereditary cancer in the literature. This variant has not been identified in the general population by the Genome Aggregation Database (gnomAD). The available evidence is insufficient to determine the role of this variant in disease conclusively. Therefore, this variant is classified as a Variant of Uncertain Significance.